The following is an entry in ClinVar:

ClinVar aggregate classification (germline): Likely benign. Review status: criteria provided, multiple submitters, no conflicts (2 of 4 stars). 5 submissions from 5 submitters: Likely benign (5). Last evaluated 2025-12-19.

Conditions:
Dyskeratosis congenita, autosomal recessive 6 (DKCB6). Identifiers: MedGen C4225356, MONDO:0014600, OMIM 616353.
Pulmonary fibrosis and/or bone marrow failure, Telomere-related, 4. Also called: PULMONARY FIBROSIS AND/OR BONE MARROW FAILURE SYNDROME, TELOMERE-RELATED, 4. Identifiers: Orphanet 2032, MedGen C4225347, MONDO:0014612, OMIM 616371.

Allele frequency attached by ClinVar (database versions not stated): gnomAD 0.00019 and 0.00020; TOPMed 0.00024; ExAC 0.00028; gnomAD exomes 0.00029; 1000 Genomes Project 30x 0.00031; ESP Exome Variant Server 0.00034; 1000 Genomes Project 0.00040.
gnomAD v4.1: 443 of 1,592,382 alleles (0.028%); highest among the groups gnomAD compares: Middle Eastern, 0.1%; no homozygotes.

Submissions (5):

Labcorp Genetics (formerly Invitae), Labcorp
Classification: Likely benign for Dyskeratosis congenita, autosomal recessive 6; Pulmonary fibrosis and/or bone marrow failure, Telomere-related, 4. Last evaluated: 2025-12-19. Review status: criteria provided, single submitter. Criteria: Invitae Variant Classification Sherloc (09022015). Collection method: clinical testing. Allele origin: germline.

Blueprint Genetics
Classification: Likely benign. Last evaluated: 2024-10-16. Review status: criteria provided, single submitter. Criteria: ACMG Guidelines, 2015. Collection method: clinical testing. Allele origin: germline.

CeGaT Center for Human Genetics Tuebingen
Classification: Likely benign. Last evaluated: 2023-08-01. Review status: criteria provided, single submitter. Criteria: CeGaT Center For Human Genetics Tuebingen Variant Classification Criteria Version 2. Collection method: clinical testing. Allele origin: germline. Affected: yes. Observed: 1 variant allele.
Comment: PARN: BP4

Genetic Services Laboratory, University of Chicago
Classification: Likely benign. Last evaluated: 2021-06-10. Review status: criteria provided, single submitter. Criteria: ACMG Guidelines, 2015. Collection method: clinical testing. Allele origin: germline. Affected: no.

Breakthrough Genomics
Classification: Likely benign. Review status: criteria provided, single submitter. Criteria: ACMG Guidelines, 2015. Collection method: not provided. Allele origin: germline. Inheritance: Autosomal recessive inheritance. Affected: yes.

NM_002582.4(PARN):c.389-8G>A

Gene: PARN (poly(A)-specific ribonuclease; minus strand). Cytogenetic location: 16p13.12.
Variant type: single nucleotide variant.
Coding change: c.389-8G>A on transcript NM_002582.4 (MANE Select); 8 bases into the intron before coding-DNA position 389, G replaced by A.
Molecular consequence: intron variant.
Genome position (GRCh38, 1-based): chr16:14,610,817, C>T on the plus strand (G>A on the coding strand, the complement: PARN is on the minus strand). VCF-style: chr16-14610817-C-T. GRCh37 (hg19) VCF-style: chr16-14704674-C-T.
Other names: c.389-8G>A (LRG_1286t1); c.206-8G>A (NM_001134477.3); c.251-8G>A (NM_001242992.2).
Identifiers: ClinVar variation 436153 (VCV000436153.44), dbSNP rs200322751, ClinGen allele CA7912421.